The following is an entry in ClinVar:

ClinVar aggregate classification (germline): Pathogenic (1 of 4 stars; one submission).

Submission:

GeneDx
Classification: Pathogenic. Last evaluated: 2015-05-21. Review status: criteria provided, single submitter. Criteria: GeneDx Variant Classification (06012015). Collection method: clinical testing. Allele origin: germline. Affected: yes.
Comment: The c.58241dupC duplication in the TTN gene has not been reported previously as a pathogenic variantor as a benign polymorphism, to our knowledge. The c.58241dupC duplication causes a shift in reading frame starting atcodon Valine 19415, changing it to a Glycine, and creating a premature stop codon at position 20 of the newreading frame, denoted p.Val19415GlyfsX20. This variant is expected to result in either an abnormal,truncated protein product or loss of protein from this allele through nonsense-mediated mRNA decay. Othertruncating TTN variants have been reported in approximately 3% of control alleles (Herman D et al., 2012).However, c.58241dupC is located in the A-band region of titin, where the majority of truncating variantsassociated with DCM have been reported (Herman D et al., 2012). Lastly, the c.58241dupC variant was notobserved in approximately 6000 individuals of European and African American ancestry in the NHLBI ExomeSequencing Project, indicating it is not a common benign variant in these populations.In summary, c.58241dupC in the TTN gene is interpreted as a pathogenic variant.

NM_001267550.2(TTN):c.63164dup (p.Val21056fs)

Genes: TTN (titin; minus strand), TTN-AS1 (TTN antisense RNA 1; plus strand). Cytogenetic location: 2q31.2.
Variant type: Duplication.
Coding change: c.63164dup on transcript NM_001267550.2 (MANE Select); coding-DNA position 63164, one base duplicated (C; older notation c.63164dupC).
Protein change: p.Val21056fs; shifts the reading frame from valine 21056.
Molecular consequence: frameshift variant.
Genome position (GRCh38, 1-based): chr2:178,588,561, G duplicated on the plus strand (C on the coding strand, the reverse complement: TTN is on the minus strand); the first of 2 consecutive G bases (chr2:178,588,561-178,588,562); duplicating either gives the same sequence. VCF-style (leftmost placement, unchanged base first): chr2-178588560-C-CG. GRCh37 (hg19) VCF-style: chr2-179453287-C-CG.
Other names: c.58241dup, p.Val19415fs (NM_001256850.1); c.35969dup, p.Val11991fs (NM_003319.4); c.55460dup, p.Val18488fs (NM_133378.4); c.36344dup, p.Val12116fs (NM_133432.3); c.36545dup, p.Val12183fs (NM_133437.4); c.58241dupC (NM_001256850.1); short protein forms V18488fs, V19415fs, V12116fs, V12183fs, V11991fs, V21056fs.
Identifiers: ClinVar variation 419041 (VCV000419041.2), dbSNP rs1553639073, ClinGen allele CA16617366.